The following is an entry in ClinVar:

NM_012431.3(SEMA3E):c.1392C>T (p.Ile464=)

Gene: SEMA3E (semaphorin 3E; minus strand). Cytogenetic location: 7q21.11.
Variant type: single nucleotide variant.
Coding change: c.1392C>T on transcript NM_012431.3 (MANE Select); coding-DNA position 1392, C replaced by T.
Protein change: p.Ile464=; no amino-acid change (isoleucine 464 retained).
Molecular consequence: synonymous variant.
Genome position (GRCh38, 1-based): chr7:83,396,704, G>A on the plus strand (C>T on the coding strand, the complement: SEMA3E is on the minus strand). VCF-style: chr7-83396704-G-A. GRCh37 (hg19) VCF-style: chr7-83026020-G-A.
Other names: c.1212C>T, p.Ile404= (NM_001178129.2); c.1392C>T (NM_012431.2).
Identifiers: ClinVar variation 2862385 (VCV002862385.4), dbSNP rs1307985829, ClinGen allele CA456134112.

ClinVar aggregate classification (germline): Likely benign. Review status: criteria provided, multiple submitters, no conflicts (2 of 4 stars). 2 submissions from 2 submitters: Likely benign (2). Last evaluated 2026-06-05.

Conditions:
SEMA3E-related disorder. Also called: SEMA3E-related condition.
CHARGE syndrome (CHARGE). Also called: Hittner Hirsch Kreh syndrome; CHARGE ASSOCIATION--COLOBOMA, HEART ANOMALY, CHOANAL ATRESIA, RETARDATION, GENITAL AND EAR ANOMALIES; Coloboma, heart anomaly, choanal atresia, retardation, genital and ear anomalies; CHARGE association; Hall-Hittner syndrome. Identifiers: Orphanet 138, MedGen C0265354, MONDO:0008965.

Allele frequency attached by ClinVar (database versions not stated): gnomAD exomes below 0.00001; TOPMed below 0.00001.
gnomAD v4.1: 1 of 1,602,854 alleles (0.000062%); highest among the groups gnomAD compares: Admixed American, 0.0017%; no homozygotes.

Submissions (2):

PreventionGenetics, part of Exact Sciences
Classification: Likely benign for SEMA3E-related condition. Last evaluated: 2026-06-05. Review status: criteria provided, single submitter. Criteria: ACMG Guidelines, 2015. Collection method: clinical testing. Allele origin: germline.
Comment: This variant is classified as likely benign based on ACMG/AMP sequence variant interpretation guidelines (Richards et al. 2015 PMID: 25741868, with internal and published modifications).

Labcorp Genetics (formerly Invitae), Labcorp
Classification: Likely benign for CHARGE syndrome. Last evaluated: 2023-01-13. Review status: criteria provided, single submitter. Criteria: Invitae Variant Classification Sherloc (09022015). Collection method: clinical testing. Allele origin: germline.